The following is an entry in ClinVar:

NM_017635.5(KMT5B):c.1894G>C (p.Val632Leu)

Gene: KMT5B (lysine methyltransferase 5B; minus strand). Cytogenetic location: 11q13.2.
Variant type: single nucleotide variant.
Coding change: c.1894G>C on transcript NM_017635.5 (MANE Select); coding-DNA position 1894, G replaced by C.
Protein change: p.Val632Leu; replaces valine 632 with leucine.
Molecular consequence: missense variant.
Genome position (GRCh38, 1-based): chr11:68,158,452, C>G on the plus strand (G>C on the coding strand, the complement: KMT5B is on the minus strand). VCF-style: chr11-68158452-C-G. GRCh37 (hg19) VCF-style: chr11-67925919-C-G.
Other names: c.1378G>C, p.Val460Leu (NM_001300907.1, NM_001369428.1, NM_001369429.1 and 4 more transcripts); c.1174G>C, p.Val392Leu (NM_001300908.2); c.1894G>C, p.Val632Leu (NM_001369426.1); short protein forms V392L, V460L, V632L.
Identifiers: ClinVar variation 2642030 (VCV002642030.24), dbSNP rs2496194022, ClinGen allele CA381591638.

ClinVar aggregate classification (germline): Uncertain significance (1 of 4 stars; one submission).

Submission:

CeGaT Center for Human Genetics Tuebingen
Classification: Uncertain significance. Last evaluated: 2023-09-01. Review status: criteria provided, single submitter. Criteria: CeGaT Center For Human Genetics Tuebingen Variant Classification Criteria Version 2. Collection method: clinical testing. Allele origin: germline. Affected: yes. Observed: 1 variant allele.
Comment: KMT5B: PM2, BP4